The following is an entry in ClinVar:

NM_002294.3(LAMP2):c.490G>A (p.Val164Ile)

Gene: LAMP2 (lysosome associated membrane protein 2; minus strand). Cytogenetic location: Xq24.
Variant type: single nucleotide variant.
Coding change: c.490G>A on transcript NM_002294.3 (MANE Select); coding-DNA position 490, G replaced by A.
Protein change: p.Val164Ile; replaces valine 164 with isoleucine.
Molecular consequence: missense variant.
Genome position (GRCh38, 1-based): chrX:120,449,036, C>T on the plus strand (G>A on the coding strand, the complement: LAMP2 is on the minus strand). VCF-style: chrX-120449036-C-T. GRCh37 (hg19) VCF-style: chrX-119582891-C-T.
Other names: c.490G>A, p.Val164Ile (NM_001122606.1, NM_013995.2); short protein forms V164I.
Identifiers: ClinVar variation 1949612 (VCV001949612.3), dbSNP rs1242313514, ClinGen allele CA414402068.

ClinVar aggregate classification (germline): Uncertain significance (1 of 4 stars; one submission).

Conditions:
Danon disease. Also called: ANTOPOL DISEASE; PSEUDOGLYCOGENOSIS II; Glycogen Storage Disease Type IIb; GSD IIb; LYSOSOMAL GLYCOGEN STORAGE DISEASE WITHOUT ACID MALTASE DEFICIENCY. Identifiers: Orphanet 34587, MedGen C0878677, MONDO:0010281, OMIM 300257.

Allele frequency attached by ClinVar (database versions not stated): gnomAD exomes below 0.00001.
gnomAD v4.1: 4 of 1,208,137 alleles (0.00033%); highest among the groups gnomAD compares: South Asian, 0.0035%; no homozygotes.

Submission:

Labcorp Genetics (formerly Invitae), Labcorp
Classification: Uncertain significance for Danon disease. Last evaluated: 2022-04-09. Review status: criteria provided, single submitter. Criteria: Invitae Variant Classification Sherloc (09022015). Collection method: clinical testing. Allele origin: germline.
Comment: This sequence change replaces valine, which is neutral and non-polar, with isoleucine, which is neutral and non-polar, at codon 164 of the LAMP2 protein (p.Val164Ile). This variant is present in population databases (no rsID available, gnomAD 0.005%). This variant has not been reported in the literature in individuals affected with LAMP2-related conditions. Algorithms developed to predict the effect of missense changes on protein structure and function are either unavailable or do not agree on the potential impact of this missense change (SIFT: "Tolerated"; PolyPhen-2: "Probably Damaging"; Align-GVGD: "Class C0"). In summary, the available evidence is currently insufficient to determine the role of this variant in disease. Therefore, it has been classified as a Variant of Uncertain Significance.